The following is an entry in ClinVar:

NM_000094.4(COL7A1):c.8046+8G>T

Gene: COL7A1 (collagen type VII alpha 1 chain; minus strand). Cytogenetic location: 3p21.31.
Variant type: single nucleotide variant.
Coding change: c.8046+8G>T on transcript NM_000094.4 (MANE Select); 8 bases into the intron after coding-DNA position 8046, G replaced by T.
Molecular consequence: intron variant.
Genome position (GRCh38, 1-based): chr3:48,567,566, C>A on the plus strand (G>T on the coding strand, the complement: COL7A1 is on the minus strand). VCF-style: chr3-48567566-C-A. GRCh37 (hg19) VCF-style: chr3-48604999-C-A.
Identifiers: ClinVar variation 2125296 (VCV002125296.1), dbSNP rs1301538647, ClinGen allele CA2580070102.

ClinVar aggregate classification (germline): Uncertain significance (1 of 4 stars; one submission).

Submission:

Labcorp Genetics (formerly Invitae), Labcorp
Classification: Uncertain significance. Last evaluated: 2022-04-12. Review status: criteria provided, single submitter. Criteria: Invitae Variant Classification Sherloc (09022015). Collection method: clinical testing. Allele origin: germline.
Comment: This sequence change falls in intron 108 of the COL7A1 gene. It does not directly change the encoded amino acid sequence of the COL7A1 protein. This variant is not present in population databases (gnomAD no frequency). This variant has not been reported in the literature in individuals affected with COL7A1-related conditions. Algorithms developed to predict the effect of sequence changes on RNA splicing suggest that this variant may create or strengthen a splice site. In summary, the available evidence is currently insufficient to determine the role of this variant in disease. Therefore, it has been classified as a Variant of Uncertain Significance.